The following is an entry in ClinVar:

ClinVar aggregate classification (germline): Likely benign. Review status: criteria provided, multiple submitters, no conflicts (2 of 4 stars). 7 submissions from 7 submitters: Likely benign (7). Last evaluated 2026-05-01.

Conditions:
Cardiovascular phenotype. Identifiers: MedGen CN230736.
Cardiomyopathy (CMYO). Also called: Cardiomyopathies. Identifiers: Orphanet 167848, MedGen C0878544, MONDO:0004994, HP:0001638. Inheritance: Various modes of inheritance.
Dilated cardiomyopathy 1DD (CMD1DD). Identifiers: Orphanet 154, MedGen C2750995, MONDO:0013168, OMIM 613172.

Allele frequency attached by ClinVar (database versions not stated): gnomAD 0.00004; gnomAD exomes 0.00004 and 0.00008; ExAC 0.00005; TOPMed 0.00006.
gnomAD v4.1: 57 of 1,550,750 alleles (0.0037%); highest among the groups gnomAD compares: Admixed American, 0.0078%; no homozygotes.

Submissions (7):

CeGaT Center for Human Genetics Tuebingen
Classification: Likely benign. Last evaluated: 2026-05-01. Review status: criteria provided, single submitter. Criteria: CeGaT Center For Human Genetics Tuebingen Variant Classification Criteria Version 2. Collection method: clinical testing. Allele origin: germline. Affected: yes. Observed: 1 variant allele.
Comment: RBM20: BP4, BP7

Labcorp Genetics (formerly Invitae), Labcorp
Classification: Likely benign for Dilated cardiomyopathy 1DD. Last evaluated: 2026-01-14. Review status: criteria provided, single submitter. Criteria: Invitae Variant Classification Sherloc (09022015). Collection method: clinical testing. Allele origin: germline.

CHEO Genetics Diagnostic Laboratory, Children's Hospital of Eastern Ontario
Classification: Likely benign for Cardiomyopathy. Last evaluated: 2020-10-27. Review status: criteria provided, single submitter. Criteria: ACMG Guidelines, 2015. Collection method: clinical testing. Allele origin: germline.

Ambry Genetics
Classification: Likely benign for Cardiovascular phenotype. Last evaluated: 2019-09-13. Review status: criteria provided, single submitter. Criteria: Ambry Variant Classification Scheme 2023. Collection method: clinical testing. Allele origin: germline.

GeneDx
Classification: Likely benign. Last evaluated: 2019-04-19. Review status: criteria provided, single submitter. Criteria: GeneDx Variant Classification Process June 2021. Collection method: clinical testing. Allele origin: germline. Affected: yes.
Comment: Has not been previously published as pathogenic or benign to our knowledge

Laboratory for Molecular Medicine, Mass General Brigham Personalized Medicine
Classification: Likely benign. Last evaluated: 2012-07-10. Review status: criteria provided, single submitter. Criteria: LMM Criteria. Collection method: clinical testing. Allele origin: germline. Observed: 1 variant allele.
Comment: Tyr486Tyr in exon 5 of RBM20: This variant is not expected to have clinical sign ificance because it does not alter an amino acid residue and is not located with in the splice consensus sequence. Tyr486Tyr in exon 5 of RBM20 (allele frequenc y = n/a)

Breakthrough Genomics
Classification: Likely benign. Review status: criteria provided, single submitter. Criteria: ACMG Guidelines, 2015. Collection method: not provided. Allele origin: germline. Inheritance: Autosomal dominant inheritance. Affected: yes.

NM_001134363.3(RBM20):c.1458C>T (p.Tyr486=)

Gene: RBM20 (RNA binding motif protein 20; plus strand). Cytogenetic location: 10q25.2.
Variant type: single nucleotide variant.
Coding change: c.1458C>T on transcript NM_001134363.3 (MANE Select); coding-DNA position 1458, C replaced by T.
Protein change: p.Tyr486=; no amino-acid change (tyrosine 486 retained).
Molecular consequence: synonymous variant.
Genome position (GRCh38, 1-based): chr10:110,784,820, C>T. VCF-style: chr10-110784820-C-T. GRCh37 (hg19) VCF-style: chr10-112544578-C-T.
Identifiers: ClinVar variation 43972 (VCV000043972.23), dbSNP rs397516594, ClinGen allele CA133270.